The following is an entry in ClinVar:

NM_057176.3(BSND):c.527G>A (p.Arg176His)

Gene: BSND (barttin CLCNK type accessory subunit beta; plus strand). Cytogenetic location: 1p32.3.
Variant type: single nucleotide variant.
Coding change: c.527G>A on transcript NM_057176.3 (MANE Select); coding-DNA position 527, G replaced by A.
Protein change: p.Arg176His; replaces arginine 176 with histidine.
Molecular consequence: missense variant.
Genome position (GRCh38, 1-based): chr1:55,007,251, G>A. VCF-style: chr1-55007251-G-A. GRCh37 (hg19) VCF-style: chr1-55472924-G-A.
Other names: short protein forms R176H.
Identifiers: ClinVar variation 596579 (VCV000596579.20), dbSNP rs143711308, ClinGen allele CA871357.

ClinVar aggregate classification (germline): Conflicting classifications of pathogenicity. Review status: criteria provided, conflicting classifications (1 of 4 stars). 6 submissions from 6 submitters: Uncertain significance (2); Likely benign (3). 1 of the submissions does not count toward it. Last evaluated 2026-01-21.

Conditions:
Bartter syndrome. Identifiers: Orphanet 112, MedGen C0004775, MONDO:0015231.
Inborn genetic diseases. Identifiers: MedGen C0950123, MeSH D030342.
BSND-related disorder. Also called: BSND-related condition.

Allele frequency attached by ClinVar (database versions not stated): 1000 Genomes Project 30x 0.00031; ExAC 0.00031; 1000 Genomes Project 0.00040; gnomAD 0.00087 and 0.00092; TOPMed 0.00088; ESP Exome Variant Server 0.00108.
gnomAD v4.1: 223 of 1,607,682 alleles (0.014%); highest among the groups gnomAD compares: African/African-American, 0.24%; no homozygotes.

Submissions (6):

Labcorp Genetics (formerly Invitae), Labcorp
Classification: Likely benign. Last evaluated: 2026-01-21. Review status: criteria provided, single submitter. Criteria: Invitae Variant Classification Sherloc (09022015). Collection method: clinical testing. Allele origin: germline.

PreventionGenetics, part of Exact Sciences
Classification: Likely benign for BSND-related condition. Last evaluated: 2025-05-01. Review status: criteria provided, single submitter. Criteria: ACMG Guidelines, 2015. Collection method: clinical testing. Allele origin: germline.
Comment: This variant is classified as likely benign based on ACMG/AMP sequence variant interpretation guidelines (Richards et al. 2015 PMID: 25741868, with internal and published modifications).

Ambry Genetics
Classification: Uncertain significance for Inborn genetic diseases. Last evaluated: 2021-06-11. Review status: criteria provided, single submitter. Criteria: Ambry Variant Classification Scheme 2023. Collection method: clinical testing. Allele origin: germline.

GeneDx
Classification: Likely benign. Last evaluated: 2021-06-04. Review status: criteria provided, single submitter. Criteria: GeneDx Variant Classification Process June 2021. Collection method: clinical testing. Allele origin: germline. Affected: yes.

Eurofins Ntd Llc (ga)
Classification: Uncertain significance. Last evaluated: 2018-04-03. Review status: criteria provided, single submitter. Criteria: EGL ClinVar v180209 classification definitions. Collection method: clinical testing. Allele origin: germline. Observed: 1 variant allele, 1 heterozygote.

Natera, Inc.
Classification: Likely benign for Bartter syndrome. Last evaluated: 2019-10-28. Review status: no assertion criteria provided. Collection method: clinical testing. Allele origin: germline. Not counted in ClinVar's aggregate classification.